The following is an entry in ClinVar:

NM_000136.3(FANCC):c.15A>G (p.Ser5=)

Gene: FANCC (FA complementation group C; minus strand). Cytogenetic location: 9q22.32.
Variant type: single nucleotide variant.
Coding change: c.15A>G on transcript NM_000136.3 (MANE Select); coding-DNA position 15, A replaced by G.
Protein change: p.Ser5=; no amino-acid change (serine 5 retained).
Molecular consequence: synonymous variant.
Genome position (GRCh38, 1-based): chr9:95,249,277, T>C on the plus strand (A>G on the coding strand, the complement: FANCC is on the minus strand). VCF-style: chr9-95249277-T-C. GRCh37 (hg19) VCF-style: chr9-98011559-T-C.
Other names: c.15A>G, p.Ser5= (NM_001243743.2, NM_001243744.2).
Identifiers: ClinVar variation 415746 (VCV000415746.16), dbSNP rs778408360, ClinGen allele CA5137851.
Genomic context (GRCh38, chr9:95,249,277, plus strand): 5'-AGCCTGATCCCATACAGAAAGCTTCTGCATCCAAAACTGATAATCACAAGAAAGATCTAC[T>C]GAATCTTGAGCCATCTTGGAAAAAGCGAAAAGGTGATGTCCCTTCACAGCAGCCTGTCCA-3'
Protein context (NP_000127.2, residues 1-15): MAQD[Ser5=]VDLSCDYQFW

ClinVar aggregate classification (germline): Benign/Likely benign. Review status: criteria provided, multiple submitters, no conflicts (2 of 4 stars). 3 submissions from 3 submitters: Benign (1); Likely benign (2). Last evaluated 2025-05-05.

Conditions:
Hereditary cancer-predisposing syndrome. Also called: Tumor predisposition; Neoplastic Syndromes, Hereditary; Hereditary neoplastic syndrome; Hereditary Cancer Syndrome. Identifiers: Orphanet 140162, MedGen C0027672, MeSH D009386, MONDO:0015356.
Fanconi anemia (FA). Also called: Fanconi's anemia. Identifiers: Orphanet 84, MedGen C0015625, MeSH D005199, MONDO:0019391.

Allele frequency attached by ClinVar (database versions not stated): ExAC 0.00001; gnomAD 0.00001; gnomAD exomes 0.00001; TOPMed 0.00001.
gnomAD v4.1: 18 of 1,613,980 alleles (0.0011%); highest among the groups gnomAD compares: Middle Eastern, 0.016%; no homozygotes.

Submissions (3):

Labcorp Genetics (formerly Invitae), Labcorp
Classification: Likely benign for Fanconi anemia. Last evaluated: 2025-05-05. Review status: criteria provided, single submitter. Criteria: Invitae Variant Classification Sherloc (09022015). Collection method: clinical testing. Allele origin: germline.

Ambry Genetics
Classification: Likely benign for Hereditary cancer-predisposing syndrome. Last evaluated: 2018-11-06. Review status: criteria provided, single submitter. Criteria: Ambry Variant Classification Scheme 2023. Collection method: clinical testing. Allele origin: germline.

GeneDx
Classification: Benign. Last evaluated: 2015-09-21. Review status: criteria provided, single submitter. Criteria: GeneDx Variant Classification (06012015). Collection method: clinical testing. Allele origin: germline. Affected: yes.
Comment: This variant is considered likely benign or benign based on one or more of the following criteria: it is a conservative change, it occurs at a poorly conserved position in the protein, it is predicted to be benign by multiple in silico algorithms, and/or has population frequency not consistent with disease.